The following is an entry in ClinVar:

ClinVar aggregate classification (germline): Pathogenic (1 of 4 stars; one submission).

Conditions:
Neuronal ceroid lipofuscinosis 1 (CLN1). Also called: PPT1-Related Neuronal Ceroid-Lipofuscinosis; CEROID LIPOFUSCINOSIS, NEURONAL, 1, VARIABLE AGE AT ONSET. Identifiers: Orphanet 228329, MedGen C1850451, MONDO:0009744, OMIM 256730.

Submission:

Labcorp Genetics (formerly Invitae), Labcorp
Classification: Pathogenic for Neuronal ceroid lipofuscinosis 1. Last evaluated: 2023-03-12. Review status: criteria provided, single submitter. Criteria: Invitae Variant Classification Sherloc (09022015). Collection method: clinical testing. Allele origin: germline.
Comment: For these reasons, this variant has been classified as Pathogenic. This variant has not been reported in the literature in individuals affected with PPT1-related conditions. This variant is not present in population databases (gnomAD no frequency). This sequence change creates a premature translational stop signal (p.Gly145Valfs*23) in the PPT1 gene. It is expected to result in an absent or disrupted protein product. Loss-of-function variants in PPT1 are known to be pathogenic (PMID: 10679943, 21990111).

Literature cited by the submitters: PubMed 10679943; PubMed 21990111.

NM_000310.4(PPT1):c.432del (p.Gly145fs)

Gene: PPT1 (palmitoyl-protein thioesterase 1; minus strand). Cytogenetic location: 1p34.2.
Variant type: Deletion.
Coding change: c.432del on transcript NM_000310.4 (MANE Select); coding-DNA position 432, one base deleted (A; older notation c.432delA).
Protein change: p.Gly145fs; shifts the reading frame from glycine 145.
Molecular consequence: frameshift variant. On other transcripts: intron variant (1).
Genome position (GRCh38, 1-based): chr1:40,091,330, T deleted on the plus strand (A on the coding strand, the reverse complement: PPT1 is on the minus strand); the first of 2 consecutive T bases (chr1:40,091,330-40,091,331); deleting either gives the same sequence. VCF-style (leftmost placement, unchanged base first): chr1-40091329-CT-C. GRCh37 (hg19) VCF-style: chr1-40557001-CT-C.
Other names: c.432del, p.Gly145fs (NM_001363695.2); c.125-1818del (NM_001142604.2); short protein forms G145fs.
Identifiers: ClinVar variation 2845139 (VCV002845139.3), dbSNP rs2523683923, ClinGen allele CA2739272474.
Genomic context (GRCh38, chr1:40,091,329, plus strand): 5'-TAAATCAGGTGGTCATGTGGGTTAGAATACAGAAAAAAGAAAGCAAAGAGGCAAAGTTAC[CT>C]TGATGTTGTCCCCCAACCGAGATCAGATTGATCATGGGAGGTGAAGGGCATCTCTGAGCC-3'